The following is an entry in ClinVar:

ClinVar aggregate classification (germline): Uncertain significance. Review status: criteria provided, multiple submitters, no conflicts (2 of 4 stars). 2 submissions from 2 submitters: Uncertain significance (2). Last evaluated 2025-04-08.

Conditions:
Inborn genetic diseases. Identifiers: MedGen C0950123, MeSH D030342.

Allele frequency attached by ClinVar (database versions not stated): gnomAD exomes below 0.00001; TOPMed 0.00003; gnomAD 0.00002.
gnomAD v4.1: 4 of 1,614,088 alleles (0.00025%); highest among the groups gnomAD compares: African/African-American, 0.0053%; no homozygotes.

Submissions (2):

Ambry Genetics
Classification: Uncertain significance for Inborn genetic diseases. Last evaluated: 2025-04-08. Review status: criteria provided, single submitter. Criteria: Ambry Variant Classification Scheme 2023. Collection method: clinical testing. Allele origin: germline.

GeneDx
Classification: Uncertain significance. Last evaluated: 2022-06-03. Review status: criteria provided, single submitter. Criteria: GeneDx Variant Classification Process June 2021. Collection method: clinical testing. Allele origin: germline. Affected: yes.
Comment: In silico analysis supports that this missense variant does not alter protein structure/function; Has not been previously published as pathogenic or benign to our knowledge

NM_173500.4(TTBK2):c.1785T>A (p.Asp595Glu)

Gene: TTBK2 (tau tubulin kinase 2; minus strand). Cytogenetic location: 15q15.2.
Variant type: single nucleotide variant.
Coding change: c.1785T>A on transcript NM_173500.4 (MANE Select); coding-DNA position 1785, T replaced by A.
Protein change: p.Asp595Glu; replaces aspartic acid 595 with glutamic acid.
Molecular consequence: missense variant.
Genome position (GRCh38, 1-based): chr15:42,775,348, A>T on the plus strand (T>A on the coding strand, the complement: TTBK2 is on the minus strand). VCF-style: chr15-42775348-A-T. GRCh37 (hg19) VCF-style: chr15-43067546-A-T.
Other names: short protein forms D595E.
Identifiers: ClinVar variation 1801918 (VCV001801918.2), dbSNP rs1211363828, ClinGen allele CA392011960.